The following is an entry in ClinVar:

NM_021922.3(FANCE):c.769_772dup (p.Ala258fs)

Gene: FANCE (FA complementation group E; plus strand). Cytogenetic location: 6p21.31.
Variant type: Duplication.
Coding change: c.769_772dup on transcript NM_021922.3 (MANE Select); coding-DNA positions 769 to 772, 4 bases duplicated (ATGG; older notation c.769_772dupATGG).
Protein change: p.Ala258fs; shifts the reading frame from alanine 258.
Molecular consequence: frameshift variant.
Genome position (GRCh38, 1-based): chr6:35,456,267-35,456,270, ATGG duplicated. VCF-style (leftmost placement, unchanged base first): chr6-35456266-C-CATGG. GRCh37 (hg19) VCF-style: chr6-35424043-C-CATGG.
Other names: c.769_772dup, p.Ala258fs (NM_001410876.1); short protein forms A258fs.
Identifiers: ClinVar variation 2696533 (VCV002696533.4), dbSNP rs2533661699, ClinGen allele CA2697553334.

ClinVar aggregate classification (germline): Pathogenic/Likely pathogenic. Review status: criteria provided, multiple submitters, no conflicts (2 of 4 stars). 2 submissions from 2 submitters: Pathogenic (1); Likely pathogenic (1). Last evaluated 2024-02-29.

Conditions:
Fanconi anemia complementation group E (FANCE). Also called: FANCE-Related Fanconi Anemia. Identifiers: Orphanet 84, MedGen C3160739, MONDO:0010953, OMIM 600901.

Submissions (2):

Baylor Genetics
Classification: Likely pathogenic for Fanconi anemia complementation group E. Last evaluated: 2024-02-29. Review status: criteria provided, single submitter. Criteria: ACMG Guidelines, 2015. Collection method: clinical testing. Allele origin: unknown.

Labcorp Genetics (formerly Invitae), Labcorp
Classification: Pathogenic for Fanconi anemia complementation group E. Last evaluated: 2023-11-17. Review status: criteria provided, single submitter. Criteria: Invitae Variant Classification Sherloc (09022015). Collection method: clinical testing. Allele origin: germline.
Comment: This sequence change creates a premature translational stop signal (p.Ala258Aspfs*4) in the FANCE gene. It is expected to result in an absent or disrupted protein product. Loss-of-function variants in FANCE are known to be pathogenic (PMID: 11001585, 17924555). This variant is not present in population databases (gnomAD no frequency). This variant has not been reported in the literature in individuals affected with FANCE-related conditions. For these reasons, this variant has been classified as Pathogenic.

Literature cited by the submitters: PubMed 11001585 (cited by Labcorp Genetics (formerly Invitae), Labcorp); PubMed 17924555 (cited by Labcorp Genetics (formerly Invitae), Labcorp).